The following is an entry in ClinVar:

NM_153240.5(NPHP3):c.3128A>T (p.Tyr1043Phe)

Genes: NPHP3 (nephrocystin 3; minus strand), NPHP3-ACAD11 (NPHP3-ACAD11 readthrough (NMD candidate); minus strand). Cytogenetic location: 3q22.1.
Variant type: single nucleotide variant.
Coding change: c.3128A>T on transcript NM_153240.5 (MANE Select); coding-DNA position 3128, A replaced by T.
Protein change: p.Tyr1043Phe; replaces tyrosine 1043 with phenylalanine.
Molecular consequence: missense variant. On other transcripts: non-coding transcript variant (1).
Genome position (GRCh38, 1-based): chr3:132,687,224, T>A on the plus strand (A>T on the coding strand, the complement: NPHP3 is on the minus strand). VCF-style: chr3-132687224-T-A. GRCh37 (hg19) VCF-style: chr3-132406068-T-A.
Other names: short protein forms Y1043F.
Identifiers: ClinVar variation 1352467 (VCV001352467.6), dbSNP rs368696653, ClinGen allele CA83583741.

ClinVar aggregate classification (germline): Uncertain significance (1 of 4 stars; one submission).

Conditions:
Nephronophthisis. Also called: Juvenile Nephronophthisis. Identifiers: Orphanet 655, MedGen C0687120, MONDO:0019005, HP:0000090.

Allele frequency attached by ClinVar (database versions not stated): gnomAD exomes below 0.00001.

Submission:

Labcorp Genetics (formerly Invitae), Labcorp
Classification: Uncertain significance for Nephronophthisis. Last evaluated: 2022-06-08. Review status: criteria provided, single submitter. Criteria: Invitae Variant Classification Sherloc (09022015). Collection method: clinical testing. Allele origin: germline.
Comment: In summary, the available evidence is currently insufficient to determine the role of this variant in disease. Therefore, it has been classified as a Variant of Uncertain Significance. Algorithms developed to predict the effect of missense changes on protein structure and function (SIFT, PolyPhen-2, Align-GVGD) all suggest that this variant is likely to be tolerated. This variant has not been reported in the literature in individuals affected with NPHP3-related conditions. This variant is not present in population databases (gnomAD no frequency). This sequence change replaces tyrosine, which is neutral and polar, with phenylalanine, which is neutral and non-polar, at codon 1043 of the NPHP3 protein (p.Tyr1043Phe).